The following is an entry in ClinVar:

ClinVar aggregate classification (germline): Likely pathogenic. Review status: criteria provided, multiple submitters, no conflicts (2 of 4 stars). 3 submissions from 3 submitters: Likely pathogenic (2). 1 of the submissions does not count toward it. Last evaluated 2022-03-26.

Conditions:
Cockayne syndrome type 1. Also called: Cockayne syndrome type I; Cockayne syndrome classical; Cockayne syndrome classic form. Identifiers: Orphanet 191, Orphanet 90321, MedGen C0751039, MONDO:0019569, OMIM 216400.
UV-sensitive syndrome 2 (UVSS2). Identifiers: Orphanet 178338, MedGen C3553298, MONDO:0013829, OMIM 614621.

Submissions (3):

Labcorp Genetics (formerly Invitae), Labcorp
Classification: Likely pathogenic. Last evaluated: 2022-03-26. Review status: criteria provided, single submitter. Criteria: Invitae Variant Classification Sherloc (09022015). Collection method: clinical testing. Allele origin: germline.
Comment: This sequence change affects a donor splice site in intron 1 of the ERCC8 gene. It is expected to disrupt RNA splicing. Variants that disrupt the donor or acceptor splice site typically lead to a loss of protein function (PMID: 16199547), and loss-of-function variants in ERCC8 are known to be pathogenic (PMID: 29572252). This variant is not present in population databases (gnomAD no frequency). This variant has not been reported in the literature in individuals affected with ERCC8-related conditions. ClinVar contains an entry for this variant (Variation ID: 553277). Algorithms developed to predict the effect of sequence changes on RNA splicing suggest that this variant may disrupt the consensus splice site. In summary, the currently available evidence indicates that the variant is pathogenic, but additional data are needed to prove that conclusively. Therefore, this variant has been classified as Likely Pathogenic.

Juno Genomics, Hangzhou Juno Genomics, Inc
Classification: Likely pathogenic for Cockayne syndrome type 1; UV-sensitive syndrome 2. Review status: criteria provided, single submitter. Criteria: ACMG Guidelines, 2015. Collection method: clinical testing. Allele origin: germline.
Comment: Null variant in a gene where loss of function (LOF) is a known mechanism of disease.;Absent from controls (or at extremely low frequency if recessive) in Genome Aggregation Database.

Counsyl
Classification: Likely pathogenic for Cockayne syndrome type 1. Last evaluated: 2017-08-11. Review status: no assertion criteria provided. Collection method: clinical testing. Allele origin: unknown. Not counted in ClinVar's aggregate classification.

Literature cited by the submitters: PubMed 16199547 (cited by Labcorp Genetics (formerly Invitae), Labcorp); PubMed 29572252 (cited by Labcorp Genetics (formerly Invitae), Labcorp).

NM_000082.4(ERCC8):c.77+2T>G

Gene: ERCC8 (ERCC excision repair 8, CSA ubiquitin ligase complex subunit; minus strand). Cytogenetic location: 5q12.1.
Variant type: single nucleotide variant.
Coding change: c.77+2T>G on transcript NM_000082.4 (MANE Select); the canonical splice donor site of the intron after coding-DNA position 77, T replaced by G.
Molecular consequence: splice donor variant.
Genome position (GRCh38, 1-based): chr5:60,944,930, A>C on the plus strand (T>G on the coding strand, the complement: ERCC8 is on the minus strand). VCF-style: chr5-60944930-A-C. GRCh37 (hg19) VCF-style: chr5-60240757-A-C.
Other names: c.-301+2T>G (NM_001290285.2); c.-316+2T>G (NM_001007233.3); c.77+2T>G (NM_001007234.3).
Identifiers: ClinVar variation 553277 (VCV000553277.9), dbSNP rs1554076239, ClinGen allele CA359935292.